The following is an entry in ClinVar:

NM_006017.3(PROM1):c.932C>T (p.Pro311Leu)

Gene: PROM1 (prominin 1; minus strand). Cytogenetic location: 4p15.32.
Variant type: single nucleotide variant.
Coding change: c.932C>T on transcript NM_006017.3 (MANE Select); coding-DNA position 932, C replaced by T.
Protein change: p.Pro311Leu; replaces proline 311 with leucine.
Molecular consequence: missense variant. On other transcripts: non-coding transcript variant (2).
Genome position (GRCh38, 1-based): chr4:16,018,393, G>A on the plus strand (C>T on the coding strand, the complement: PROM1 is on the minus strand). VCF-style: chr4-16018393-G-A. GRCh37 (hg19) VCF-style: chr4-16020016-G-A.
Other names: c.905C>T, p.Pro302Leu (NM_001145847.2, NM_001145848.2, NM_001145851.2 and 9 more transcripts); c.932C>T, p.Pro311Leu (NM_001145849.2, NM_001145850.2); c.821C>T, p.Pro274Leu (NM_001441174.1); c.566C>T, p.Pro189Leu (NM_001441179.1); short protein forms P189L, P311L, P274L, P302L.
Identifiers: ClinVar variation 4774799 (VCV004774799.1).

ClinVar aggregate classification (germline): Uncertain significance (1 of 4 stars; one submission).

gnomAD v4.1: 11 of 1,613,756 alleles (0.00068%); highest among the groups gnomAD compares: Non-Finnish European, 0.00093%; no homozygotes.

Submission:

Labcorp Genetics (formerly Invitae), Labcorp
Classification: Uncertain significance. Last evaluated: 2025-05-01. Review status: criteria provided, single submitter. Criteria: Invitae Variant Classification Sherloc (09022015). Collection method: clinical testing. Allele origin: germline.
Comment: This sequence change replaces proline, which is neutral and non-polar, with leucine, which is neutral and non-polar, at codon 311 of the PROM1 protein (p.Pro311Leu). This variant is present in population databases (rs371237729, gnomAD 0.003%). This variant has not been reported in the literature in individuals affected with PROM1-related conditions. Invitae Evidence Modeling of protein sequence and biophysical properties (such as structural, functional, and spatial information, amino acid conservation, physicochemical variation, residue mobility, and thermodynamic stability) indicates that this missense variant is expected to disrupt PROM1 protein function with a positive predictive value of 80%. In summary, the available evidence is currently insufficient to determine the role of this variant in disease. Therefore, it has been classified as a Variant of Uncertain Significance.